The following is an entry in ClinVar:

ClinVar aggregate classification (germline): Likely benign (1 of 4 stars; one submission).

Conditions:
Sarcoglycanopathy. Identifiers: Orphanet 207052, MedGen C2936331, MONDO:0016140.

Allele frequency attached by ClinVar (database versions not stated): gnomAD 0.00010 and 0.00013; TOPMed 0.00013; 1000 Genomes Project 30x 0.00047; 1000 Genomes Project 0.00060.
gnomAD v4.1: 55 of 416,458 alleles (0.013%); highest among the groups gnomAD compares: East Asian, 0.3%; 1 homozygote.

Submission:

Illumina Laboratory Services, Illumina
Classification: Likely benign for Sarcoglycanopathy. Last evaluated: 2018-01-13. Review status: criteria provided, single submitter. Criteria: ICSL Variant Classification Criteria 13 December 2019. Collection method: clinical testing. Allele origin: germline.
Comment: This variant was observed in the ICSL laboratory as part of a predisposition screen in an ostensibly healthy population. It had not been previously curated by ICSL or reported in the Human Gene Mutation Database (HGMD: prior to June 1st, 2018), and was therefore a candidate for classification through an automated scoring system. Utilizing variant allele frequency, disease prevalence and penetrance estimates, and inheritance mode, an automated score was calculated to assess if this variant is too frequent to cause the disease. Based on the score and internal cut-off values, a variant classified as likely benign is not then subjected to further curation. The score for this variant resulted in a classification of likely benign for this disease.

NM_000231.3(SGCG):c.*291A>G

Gene: SGCG (sarcoglycan gamma; plus strand). Cytogenetic location: 13q12.12.
Variant type: single nucleotide variant.
Coding change: c.*291A>G on transcript NM_000231.3 (MANE Select); 291 bases downstream of the stop codon, A replaced by G.
Molecular consequence: 3 prime UTR variant.
Genome position (GRCh38, 1-based): chr13:23,324,832, A>G. VCF-style: chr13-23324832-A-G. GRCh37 (hg19) VCF-style: chr13-23898971-A-G.
Other names: c.*291A>G (NM_001378244.1, NM_001378245.1, NM_001378246.1).
Identifiers: ClinVar variation 881919 (VCV000881919.4), dbSNP rs373623927, ClinGen allele CA246641679.